The following is an entry in ClinVar:

ClinVar aggregate classification (germline): Uncertain significance. Review status: criteria provided, multiple submitters, no conflicts (2 of 4 stars). 2 submissions from 2 submitters: Uncertain significance (2). Last evaluated 2025-09-05.

Allele frequency attached by ClinVar (database versions not stated): gnomAD exomes 0.00008; TOPMed 0.00012; ExAC 0.00013; gnomAD 0.00015.
gnomAD v4.1: 141 of 1,614,034 alleles (0.0087%); highest among the groups gnomAD compares: Admixed American, 0.037%; no homozygotes.

Submissions (2):

Ambry Genetics
Classification: Uncertain significance. Last evaluated: 2025-09-05. Review status: criteria provided, single submitter. Criteria: Ambry Variant Classification Scheme 2023. Collection method: clinical testing. Allele origin: germline.

Labcorp Genetics (formerly Invitae), Labcorp
Classification: Uncertain significance. Last evaluated: 2022-04-23. Review status: criteria provided, single submitter. Criteria: Invitae Variant Classification Sherloc (09022015). Collection method: clinical testing. Allele origin: germline.
Comment: This sequence change replaces alanine, which is neutral and non-polar, with valine, which is neutral and non-polar, at codon 157 of the CDCA7 protein (p.Ala157Val). This variant is present in population databases (rs199704928, gnomAD 0.05%). This variant has not been reported in the literature in individuals affected with CDCA7-related conditions. Algorithms developed to predict the effect of missense changes on protein structure and function output the following: SIFT: "Tolerated"; PolyPhen-2: "Benign"; Align-GVGD: "Class C0". The valine amino acid residue is found in multiple mammalian species, which suggests that this missense change does not adversely affect protein function. Algorithms developed to predict the effect of sequence changes on RNA splicing suggest that this variant may create or strengthen a splice site. In summary, the available evidence is currently insufficient to determine the role of this variant in disease. Therefore, it has been classified as a Variant of Uncertain Significance.

NM_031942.5(CDCA7):c.470C>T (p.Ala157Val)

Gene: CDCA7 (cell division cycle associated 7; plus strand). Cytogenetic location: 2q31.1.
Variant type: single nucleotide variant.
Coding change: c.470C>T on transcript NM_031942.5 (MANE Select); coding-DNA position 470, C replaced by T.
Protein change: p.Ala157Val; replaces alanine 157 with valine.
Molecular consequence: missense variant.
Genome position (GRCh38, 1-based): chr2:173,363,311, C>T. VCF-style: chr2-173363311-C-T. GRCh37 (hg19) VCF-style: chr2-174228039-C-T.
Other names: c.233C>T, p.Ala78Val (NM_145810.3); short protein forms A78V, A157V.
Identifiers: ClinVar variation 2074589 (VCV002074589.3), dbSNP rs199704928, ClinGen allele CA1971249.
Genomic context (GRCh38, chr2:173,363,311, plus strand): 5'-GTAGGACCCGCAGCCAGTGCAGGCACTCTGGACCTCTCAGGGTGGCGATGAAGTTTCCAG[C>T]GCGGAGTACCAGGGGAGCAACCAACAAAAAAGCAGAGTCCCGCCAGCCCTCAGAGAATTC-3'
Protein context (NP_114148.3, residues 147-167): GPLRVAMKFP[Ala157Val]RSTRGATNKK